The following is an entry in ClinVar:

NM_000017.4(ACADS):c.80C>T (p.Thr27Ile)

Gene: ACADS (acyl-CoA dehydrogenase short chain; plus strand). Cytogenetic location: 12q24.31.
Variant type: single nucleotide variant.
Coding change: c.80C>T on transcript NM_000017.4 (MANE Select); coding-DNA position 80, C replaced by T.
Protein change: p.Thr27Ile; replaces threonine 27 with isoleucine.
Molecular consequence: missense variant.
Genome position (GRCh38, 1-based): chr12:120,727,059, C>T. VCF-style: chr12-120727059-C-T. GRCh37 (hg19) VCF-style: chr12-121164862-C-T.
Other names: c.80C>T, p.Thr27Ile (NM_001302554.2); short protein forms T27I.
Identifiers: ClinVar variation 2176226 (VCV002176226.4), dbSNP rs2501155338, ClinGen allele CA386612844.
Genomic context (GRCh38, chr12:120,727,059, plus strand): 5'-TCCACTCACTTCTGCCCTTGCCGGCAGCTCTCTGTCCTAGGGCCTGGCGGCAGTTACACA[C>T]CATCTACCAGTCTGTGGAACTGCCCGAGACACACCAGATGTTGCTCCAGACATGCCGGGA-3'
Protein context (NP_000008.1, residues 17-37): LCPRAWRQLH[Thr27Ile]IYQSVELPET

ClinVar aggregate classification (germline): Uncertain significance (1 of 4 stars; one submission).

Conditions:
Deficiency of butyryl-CoA dehydrogenase (ACADSD). Also called: SCAD DEFICIENCY, MILD; ACYL-CoA DEHYDROGENASE, SHORT-CHAIN, DEFICIENCY OF; SCAD Deficiency; ACADS DEFICIENCY; Short-Chain Acyl-CoA Dehydrogenase Deficiency; SCADH DEFICIENCY. Identifiers: Orphanet 26792, MedGen C0342783, MONDO:0008722, OMIM 201470. Disease mechanism: May be benign.

Submission:

Labcorp Genetics (formerly Invitae), Labcorp
Classification: Uncertain significance for Deficiency of butyryl-CoA dehydrogenase. Last evaluated: 2022-07-30. Review status: criteria provided, single submitter. Criteria: Invitae Variant Classification Sherloc (09022015). Collection method: clinical testing. Allele origin: germline.
Comment: In summary, the available evidence is currently insufficient to determine the role of this variant in disease. Therefore, it has been classified as a Variant of Uncertain Significance. Advanced modeling of protein sequence and biophysical properties (such as structural, functional, and spatial information, amino acid conservation, physicochemical variation, residue mobility, and thermodynamic stability) performed at Invitae indicates that this missense variant is not expected to disrupt ACADS protein function. This variant has not been reported in the literature in individuals affected with ACADS-related conditions. This variant is not present in population databases (gnomAD no frequency). This sequence change replaces threonine, which is neutral and polar, with isoleucine, which is neutral and non-polar, at codon 27 of the ACADS protein (p.Thr27Ile).